The following is an entry in ClinVar:

NM_018112.3(TMEM38B):c.652G>A (p.Ala218Thr)

Gene: TMEM38B (transmembrane protein 38B; plus strand). Cytogenetic location: 9q31.2.
Variant type: single nucleotide variant.
Coding change: c.652G>A on transcript NM_018112.3 (MANE Select); coding-DNA position 652, G replaced by A.
Protein change: p.Ala218Thr; replaces alanine 218 with threonine.
Molecular consequence: missense variant.
Genome position (GRCh38, 1-based): chr9:105,748,182, G>A. VCF-style: chr9-105748182-G-A. GRCh37 (hg19) VCF-style: chr9-108510463-G-A.
Other names: short protein forms A218T.
Identifiers: ClinVar variation 2010668 (VCV002010668.4), dbSNP rs780912237, ClinGen allele CA5170952.

ClinVar aggregate classification (germline): Uncertain significance (1 of 4 stars; one submission).

Allele frequency attached by ClinVar (database versions not stated): gnomAD 0.00001; TOPMed 0.00001.
gnomAD v4.1: 2 of 1,605,302 alleles (0.00012%); highest among the groups gnomAD compares: African/African-American, 0.0027%; no homozygotes.

Submission:

Labcorp Genetics (formerly Invitae), Labcorp
Classification: Uncertain significance. Last evaluated: 2022-02-03. Review status: criteria provided, single submitter. Criteria: Invitae Variant Classification Sherloc (09022015). Collection method: clinical testing. Allele origin: germline.
Comment: This variant is present in population databases (rs780912237, gnomAD 0.007%). This variant has not been reported in the literature in individuals affected with TMEM38B-related conditions. Algorithms developed to predict the effect of missense changes on protein structure and function output the following: SIFT: "Tolerated"; PolyPhen-2: "Benign"; Align-GVGD: "Class C0". The threonine amino acid residue is found in multiple mammalian species, which suggests that this missense change does not adversely affect protein function. In summary, the available evidence is currently insufficient to determine the role of this variant in disease. Therefore, it has been classified as a Variant of Uncertain Significance. This sequence change replaces alanine, which is neutral and non-polar, with threonine, which is neutral and polar, at codon 218 of the TMEM38B protein (p.Ala218Thr).